The following is an entry in ClinVar:

NM_212482.4(FN1):c.1653C>T (p.Gly551=)

Genes: FN1 (fibronectin 1; minus strand), LOC122861289 (Sharpr-MPRA regulatory region 10603; plus strand). Cytogenetic location: 2q35.
Variant type: single nucleotide variant.
Coding change: c.1653C>T on transcript NM_212482.4 (MANE Select); coding-DNA position 1653, C replaced by T.
Protein change: p.Gly551=; no amino-acid change (glycine 551 retained).
Molecular consequence: synonymous variant.
Genome position (GRCh38, 1-based): chr2:215,420,695, G>A on the plus strand (C>T on the coding strand, the complement: FN1 is on the minus strand). VCF-style: chr2-215420695-G-A. GRCh37 (hg19) VCF-style: chr2-216285418-G-A.
Other names: c.1653C>T, p.Gly551= (NM_001306129.2, NM_001306130.2, NM_001306131.2 and 14 more transcripts).
Identifiers: ClinVar variation 2030343 (VCV002030343.4), dbSNP rs2470308217, ClinGen allele CA431156146.
Genomic context (GRCh38, chr2:215,420,695, plus strand): 5'-CCCTGTGCAAACTCATCTAGGGAAATAGGGCTACTCACCGACGGGATCACACTTCCACCT[G>A]CCCCGACCCTGACCGAAGCATGTACAGTTCAGCATGTGCCCCTCTTCATGACGCTTGTGG-3'
Protein context (NP_997647.2, residues 541-561): LNCTCFGQGR[Gly551=]RWKCDPVDQC

ClinVar aggregate classification (germline): Uncertain significance (1 of 4 stars; one submission).

Submission:

Labcorp Genetics (formerly Invitae), Labcorp
Classification: Uncertain significance. Last evaluated: 2022-09-14. Review status: criteria provided, single submitter. Criteria: Invitae Variant Classification Sherloc (09022015). Collection method: clinical testing. Allele origin: germline.
Comment: Algorithms developed to predict the effect of sequence changes on RNA splicing suggest that this variant may create or strengthen a splice site. In summary, the available evidence is currently insufficient to determine the role of this variant in disease. Therefore, it has been classified as a Variant of Uncertain Significance. This variant has not been reported in the literature in individuals affected with FN1-related conditions. This variant is not present in population databases (gnomAD no frequency). This sequence change affects codon 551 of the FN1 mRNA. It is a 'silent' change, meaning that it does not change the encoded amino acid sequence of the FN1 protein.